The following is an entry in ClinVar:

NM_198576.4(AGRN):c.1187C>A (p.Pro396Gln)

Gene: AGRN (agrin; plus strand). Cytogenetic location: 1p36.33.
Variant type: single nucleotide variant.
Coding change: c.1187C>A on transcript NM_198576.4 (MANE Select); coding-DNA position 1187, C replaced by A.
Protein change: p.Pro396Gln; replaces proline 396 with glutamine.
Molecular consequence: missense variant.
Genome position (GRCh38, 1-based): chr1:1,041,965, C>A. VCF-style: chr1-1041965-C-A. GRCh37 (hg19) VCF-style: chr1-977345-C-A.
Other names: c.1187C>A, p.Pro396Gln (NM_001305275.2); c.872C>A, p.Pro291Gln (NM_001364727.2); short protein forms P396Q, P291Q.
Identifiers: ClinVar variation 1375552 (VCV001375552.6), dbSNP rs374230348, ClinGen allele CA337827563.

ClinVar aggregate classification (germline): Uncertain significance (1 of 4 stars; one submission).

Conditions:
Congenital myasthenic syndrome 8. Also called: Myasthenic syndrome, congenital, 8, with pre- and postsynaptic defects; MYASTHENIC SYNDROME, CONGENITAL, DUE TO AGRIN DEFICIENCY. Identifiers: Orphanet 590, MedGen C3808739, MONDO:0014052, OMIM 615120.

Submission:

Labcorp Genetics (formerly Invitae), Labcorp
Classification: Uncertain significance for Congenital myasthenic syndrome 8. Last evaluated: 2022-07-18. Review status: criteria provided, single submitter. Criteria: Invitae Variant Classification Sherloc (09022015). Collection method: clinical testing. Allele origin: germline.
Comment: This variant is not present in population databases (gnomAD no frequency). This sequence change replaces proline, which is neutral and non-polar, with glutamine, which is neutral and polar, at codon 396 of the AGRN protein (p.Pro396Gln). This variant has not been reported in the literature in individuals affected with AGRN-related conditions. In summary, the available evidence is currently insufficient to determine the role of this variant in disease. Therefore, it has been classified as a Variant of Uncertain Significance. Algorithms developed to predict the effect of missense changes on protein structure and function are either unavailable or do not agree on the potential impact of this missense change (SIFT: "Deleterious"; PolyPhen-2: "Benign"; Align-GVGD: "Class C0"). ClinVar contains an entry for this variant (Variation ID: 1375552).